The following is an entry in ClinVar:

ClinVar aggregate classification (germline): Uncertain significance (1 of 4 stars; one submission).

Submission:

Labcorp Genetics (formerly Invitae), Labcorp
Classification: Uncertain significance. Last evaluated: 2022-04-28. Review status: criteria provided, single submitter. Criteria: Invitae Variant Classification Sherloc (09022015). Collection method: clinical testing. Allele origin: germline.
Comment: This variant has not been reported in the literature in individuals affected with ALPK1-related conditions. This sequence change creates a premature translational stop signal (p.Phe1002Leufs*15) in the ALPK1 gene. It is expected to result in an absent or disrupted protein product. However, the current clinical and genetic evidence is not sufficient to establish whether loss-of-function variants in ALPK1 cause disease. This variant is not present in population databases (gnomAD no frequency). In summary, the available evidence is currently insufficient to determine the role of this variant in disease. Therefore, it has been classified as a Variant of Uncertain Significance.

NM_025144.4(ALPK1):c.3006del (p.Phe1002fs)

Gene: ALPK1 (alpha kinase 1; plus strand). Cytogenetic location: 4q25.
Variant type: Deletion.
Coding change: c.3006del on transcript NM_025144.4 (MANE Select); coding-DNA position 3006, one base deleted (T; older notation c.3006delT).
Protein change: p.Phe1002fs; shifts the reading frame from phenylalanine 1002.
Molecular consequence: frameshift variant.
Genome position (GRCh38, 1-based): chr4:112,432,553, T deleted; the last of 5 consecutive T bases (chr4:112,432,549-112,432,553); deleting any one gives the same sequence. VCF-style (leftmost placement, unchanged base first): chr4-112432548-GT-G. GRCh37 (hg19) VCF-style: chr4-113353704-GT-G.
Other names: c.3006del, p.Phe1002fs (NM_001102406.2); c.2772del, p.Phe924fs (NM_001253884.2); short protein forms F924fs, F1002fs.
Identifiers: ClinVar variation 2131285 (VCV002131285.4), dbSNP rs1560688397, ClinGen allele CA2580071366.
Genomic context (GRCh38, chr4:112,432,548, plus strand): 5'-GAAAAGCTGTTGGCAGGAGTGAGGCATGATTGGCTGTTTCAGAGACTAGAGAATACGGGG[GT>G]TTTTAAGCCCAGTCAACTCCACCGAGCACATAGTAAGTACAATCTTTTCAATAGTTCCCC-3'